The following is an entry in ClinVar:

ClinVar aggregate classification (germline): Uncertain significance (1 of 4 stars; one submission).

Conditions:
Megalencephaly-polymicrogyria-polydactyly-hydrocephalus syndrome 2 (MPPH2). Also called: MEGALENCEPHALY-POLYMICROGYRIA-POLYDACTYLY-HYDROCEPHALUS SYNDROME 2, SOMATIC. Identifiers: Orphanet 83473, MedGen C4014738, MONDO:0014407, OMIM 615937.

gnomAD v4.1: 3 of 1,481,740 alleles (0.0002%); highest among the groups gnomAD compares: Non-Finnish European, 0.00018%; no homozygotes.

Submission:

Labcorp Genetics (formerly Invitae), Labcorp
Classification: Uncertain significance for Megalencephaly-polymicrogyria-polydactyly-hydrocephalus syndrome 2. Last evaluated: 2025-04-15. Review status: criteria provided, single submitter. Criteria: Invitae Variant Classification Sherloc (09022015). Collection method: clinical testing. Allele origin: germline.
Comment: This sequence change replaces glutamic acid, which is acidic and polar, with lysine, which is basic and polar, at codon 94 of the AKT3 protein (p.Glu94Lys). This variant is present in population databases (rs749228367, gnomAD 0.001%). This variant has not been reported in the literature in individuals affected with AKT3-related conditions. An algorithm developed to predict the effect of missense changes on protein structure and function (PolyPhen-2) suggests that this variant is likely to be disruptive. In summary, the available evidence is currently insufficient to determine the role of this variant in disease. Therefore, it has been classified as a Variant of Uncertain Significance.

NM_005465.7(AKT3):c.280G>A (p.Glu94Lys)

Gene: AKT3 (AKT serine/threonine kinase 3; minus strand). Cytogenetic location: 1q44.
Variant type: single nucleotide variant.
Coding change: c.280G>A on transcript NM_005465.7 (MANE Select); coding-DNA position 280, G replaced by A.
Protein change: p.Glu94Lys; replaces glutamic acid 94 with lysine.
Molecular consequence: missense variant.
Genome position (GRCh38, 1-based): chr1:243,664,776, C>T on the plus strand (G>A on the coding strand, the complement: AKT3 is on the minus strand). VCF-style: chr1-243664776-C-T. GRCh37 (hg19) VCF-style: chr1-243828078-C-T.
Other names: c.280G>A, p.Glu94Lys (NM_001206729.2, NM_001370074.1, NM_181690.2); short protein forms E94K.
Identifiers: ClinVar variation 4717558 (VCV004717558.1).